The following is an entry in ClinVar:

ClinVar aggregate classification (germline): Uncertain significance (1 of 4 stars; one submission).

Submission:

Labcorp Genetics (formerly Invitae), Labcorp
Classification: Uncertain significance. Last evaluated: 2024-05-18. Review status: criteria provided, single submitter. Criteria: Invitae Variant Classification Sherloc (09022015). Collection method: clinical testing. Allele origin: germline.
Comment: This sequence change replaces isoleucine, which is neutral and non-polar, with asparagine, which is neutral and polar, at codon 646 of the A2ML1 protein (p.Ile646Asn). This variant is not present in population databases (gnomAD no frequency). This variant has not been reported in the literature in individuals affected with A2ML1-related conditions. An algorithm developed to predict the effect of missense changes on protein structure and function (PolyPhen-2) suggests that this variant is likely to be tolerated. In summary, the available evidence is currently insufficient to determine the role of this variant in disease. Therefore, it has been classified as a Variant of Uncertain Significance.

NM_144670.6(A2ML1):c.1937T>A (p.Ile646Asn)

Gene: A2ML1 (alpha-2-macroglobulin like 1; plus strand). Cytogenetic location: 12p13.31.
Variant type: single nucleotide variant.
Coding change: c.1937T>A on transcript NM_144670.6 (MANE Select); coding-DNA position 1937, T replaced by A.
Protein change: p.Ile646Asn; replaces isoleucine 646 with asparagine.
Molecular consequence: missense variant.
Genome position (GRCh38, 1-based): chr12:8,848,823, T>A. VCF-style: chr12-8848823-T-A. GRCh37 (hg19) VCF-style: chr12-9001419-T-A.
Other names: c.464T>A, p.Ile155Asn (NM_001282424.3); short protein forms I155N, I646N.
Identifiers: ClinVar variation 3633618 (VCV003633618.2).